The following is an entry in ClinVar:

ClinVar aggregate classification (germline): Likely benign. Review status: criteria provided, single submitter (1 of 4 stars). 2 submissions from 2 submitters: Likely benign (1). 1 of the submissions does not count toward it. Last evaluated 2025-05-18.

Conditions:
Myopathy, proximal, and ophthalmoplegia (CMYO6). Also called: CONGENITAL MYOPATHY 6 WITH OPHTHALMOPLEGIA; MYOPATHY WITH CONGENITAL JOINT CONTRACTURES, OPHTHALMOPLEGIA, AND RIMMED VACUOLES; INCLUSION BODY MYOPATHY 3, AUTOSOMAL DOMINANT. Identifiers: Orphanet 363677, Orphanet 79091, MedGen C1854106, MONDO:0011577, OMIM 605637.
MYH2-related disorder. Also called: MYH2-related condition.

Allele frequency attached by ClinVar (database versions not stated): gnomAD exomes 0.00003; ExAC 0.00004; TOPMed 0.00009; gnomAD 0.00016; ESP Exome Variant Server 0.00023.
gnomAD v4.1: 33 of 1,614,074 alleles (0.002%); highest among the groups gnomAD compares: African/African-American, 0.044%; no homozygotes.

Submissions (2):

Labcorp Genetics (formerly Invitae), Labcorp
Classification: Likely benign for Myopathy, proximal, and ophthalmoplegia. Last evaluated: 2025-05-18. Review status: criteria provided, single submitter. Criteria: Invitae Variant Classification Sherloc (09022015). Collection method: clinical testing. Allele origin: germline.

PreventionGenetics, part of Exact Sciences
Classification: Likely benign for MYH2-related condition. Last evaluated: 2023-07-12. Review status: no assertion criteria provided. Collection method: clinical testing. Allele origin: germline. Not counted in ClinVar's aggregate classification.
Comment: This variant is classified as likely benign based on ACMG/AMP sequence variant interpretation guidelines (Richards et al. 2015 PMID: 25741868, with internal and published modifications).

NM_017534.6(MYH2):c.2286T>C (p.Tyr762=)

Genes: MYH2 (myosin heavy chain 2; minus strand), MYHAS (myosin heavy chain gene cluster antisense RNA; plus strand). Cytogenetic location: 17p13.1.
Variant type: single nucleotide variant.
Coding change: c.2286T>C on transcript NM_017534.6 (MANE Select); coding-DNA position 2286, T replaced by C.
Protein change: p.Tyr762=; no amino-acid change (tyrosine 762 retained).
Molecular consequence: synonymous variant.
Genome position (GRCh38, 1-based): chr17:10,533,527, A>G on the plus strand (T>C on the coding strand, the complement: MYH2 is on the minus strand). VCF-style: chr17-10533527-A-G. GRCh37 (hg19) VCF-style: chr17-10436844-A-G.
Other names: c.2286T>C, p.Tyr762= (NM_001100112.2).
Identifiers: ClinVar variation 733029 (VCV000733029.12), dbSNP rs139196902, ClinGen allele CA8391171.
Genomic context (GRCh38, chr17:10,533,527, plus strand): 5'-AAGGGACAGGAATAGCATCAGGTAGGATTTACAGAAAATTACCTTGGTGTGCCCAAATTT[A>G]TACTGGGTGTGGTCAATGTCGATGGATGCAAGGAGCTTCTCAGAGGCCTTCTTGCTATCA-3'
Protein context (NP_060004.3, residues 752-772): LASIDIDHTQ[Tyr762=]KFGHTKVFFK